The following is an entry in ClinVar:

ClinVar aggregate classification (germline): Pathogenic (1 of 4 stars; one submission).

Submission:

Labcorp Genetics (formerly Invitae), Labcorp
Classification: Pathogenic. Last evaluated: 2024-07-22. Review status: criteria provided, single submitter. Criteria: Invitae Variant Classification Sherloc (09022015). Collection method: clinical testing. Allele origin: germline.
Comment: This sequence change creates a premature translational stop signal (p.Gly144Aspfs*8) in the FH gene. It is expected to result in an absent or disrupted protein product. Loss-of-function variants in FH are known to be pathogenic (PMID: 11865300, 21398687). This variant is not present in population databases (gnomAD no frequency). This variant has not been reported in the literature in individuals affected with FH-related conditions. ClinVar contains an entry for this variant (Variation ID: 963961). For these reasons, this variant has been classified as Pathogenic.

Literature cited by the submitters: PubMed 11865300; PubMed 21398687.

NM_000143.4(FH):c.431del (p.Gly144fs)

Gene: FH (fumarate hydratase; minus strand). Cytogenetic location: 1q43.
Variant type: Deletion.
Coding change: c.431del on transcript NM_000143.4 (MANE Select); coding-DNA position 431, one base deleted (G; older notation c.431delG).
Protein change: p.Gly144fs; shifts the reading frame from glycine 144.
Molecular consequence: frameshift variant.
Genome position (GRCh38, 1-based): chr1:241,512,091, C deleted on the plus strand (G on the coding strand, the reverse complement: FH is on the minus strand); the first of 2 consecutive C bases (chr1:241,512,091-241,512,092); deleting either gives the same sequence. VCF-style (leftmost placement, unchanged base first): chr1-241512090-TC-T. GRCh37 (hg19) VCF-style: chr1-241675390-TC-T.
Other names: short protein forms G144fs.
Identifiers: ClinVar variation 963961 (VCV000963961.8), dbSNP rs1660100641, ClinGen allele CA1139656707.
Genomic context (GRCh38, chr1:241,512,090, plus strand): 5'-CATTTCAATTGCTCTATTGCTAATGACTTCATTTACATTCATATTTGTCTGAGTTCCTGA[TC>T]CAGTCTGCCATACCACGAGAGGAAAATGATCATTTAATTTACCTTCAGCTACCTGCAGAA-3'